The following is an entry in ClinVar:

ClinVar aggregate classification (germline): Uncertain significance. Review status: criteria provided, multiple submitters, no conflicts (2 of 4 stars). 2 submissions from 2 submitters: Uncertain significance (2). Last evaluated 2025-09-20.

Conditions:
Epileptic encephalopathy. Identifiers: MedGen C0543888, HP:0200134.

Allele frequency attached by ClinVar (database versions not stated): ExAC 0.00003; gnomAD 0.00004 and 0.00005; gnomAD exomes 0.00004 and 0.00005; TOPMed 0.00007.
gnomAD v4.1: 72 of 1,601,658 alleles (0.0045%); highest among the groups gnomAD compares: Non-Finnish European, 0.0058%; no homozygotes.

Submissions (2):

Labcorp Genetics (formerly Invitae), Labcorp
Classification: Uncertain significance for Epileptic encephalopathy. Last evaluated: 2025-09-20. Review status: criteria provided, single submitter. Criteria: Invitae Variant Classification Sherloc (09022015). Collection method: clinical testing. Allele origin: germline.
Comment: This sequence change replaces threonine, which is neutral and polar, with isoleucine, which is neutral and non-polar, at codon 1718 of the FASN protein (p.Thr1718Ile). This variant is present in population databases (rs757842815, gnomAD 0.008%). This variant has not been reported in the literature in individuals affected with FASN-related conditions. ClinVar contains an entry for this variant (Variation ID: 1396733). An algorithm developed to predict the effect of missense changes on protein structure and function (PolyPhen-2) suggests that this variant is likely to be tolerated. In summary, the available evidence is currently insufficient to determine the role of this variant in disease. Therefore, it has been classified as a Variant of Uncertain Significance.

Ambry Genetics
Classification: Uncertain significance. Last evaluated: 2024-09-20. Review status: criteria provided, single submitter. Criteria: Ambry Variant Classification Scheme 2023. Collection method: clinical testing. Allele origin: germline.

NM_004104.5(FASN):c.5153C>T (p.Thr1718Ile)

Gene: FASN (fatty acid synthase; minus strand). Cytogenetic location: 17q25.3.
Variant type: single nucleotide variant.
Coding change: c.5153C>T on transcript NM_004104.5 (MANE Select); coding-DNA position 5153, C replaced by T.
Protein change: p.Thr1718Ile; replaces threonine 1718 with isoleucine.
Molecular consequence: missense variant.
Genome position (GRCh38, 1-based): chr17:82,083,837, G>A on the plus strand (C>T on the coding strand, the complement: FASN is on the minus strand). VCF-style: chr17-82083837-G-A. GRCh37 (hg19) VCF-style: chr17-80041713-G-A.
Other names: c.5153C>T (NM_004104.4); short protein forms T1718I.
Identifiers: ClinVar variation 1396733 (VCV001396733.9), dbSNP rs757842815, ClinGen allele CA8851804.
Genomic context (GRCh38, chr17:82,083,837, plus strand): 5'-CCGCCCGTGTGCCACAGCACATGCTGCTCGAAGGATGTGTCCCGGGAGTTGGCGAAGCTG[G>A]TGCTGTCGAGCTGGGGGAACCTGGCCTGGAGGTACGCCCGCTTCTCAGCCGACCCTGGTG-3'
Protein context (NP_004095.4, residues 1708-1728): LQARFPQLDS[Thr1718Ile]SFANSRDTSF